The following is an entry in ClinVar:

ClinVar aggregate classification (germline): Uncertain significance (1 of 4 stars; one submission).

Submission:

CeGaT Center for Human Genetics Tuebingen
Classification: Uncertain significance. Last evaluated: 2025-06-01. Review status: criteria provided, single submitter. Criteria: CeGaT Center For Human Genetics Tuebingen Variant Classification Criteria Version 2. Collection method: clinical testing. Allele origin: germline. Affected: yes. Observed: 1 variant allele.
Comment: PRKD1: PM2

NM_002742.3(PRKD1):c.1351A>G (p.Ile451Val)

Gene: PRKD1 (protein kinase D1; minus strand). Cytogenetic location: 14q12.
Variant type: single nucleotide variant.
Coding change: c.1351A>G on transcript NM_002742.3 (MANE Select); coding-DNA position 1351, A replaced by G.
Protein change: p.Ile451Val; replaces isoleucine 451 with valine.
Molecular consequence: missense variant.
Genome position (GRCh38, 1-based): chr14:29,632,910, T>C on the plus strand (A>G on the coding strand, the complement: PRKD1 is on the minus strand). VCF-style: chr14-29632910-T-C. GRCh37 (hg19) VCF-style: chr14-30102116-T-C.
Other names: c.1375A>G, p.Ile459Val (NM_001330069.2); c.1087A>G, p.Ile363Val (NM_001348390.1); short protein forms I363V, I451V, I459V.
Identifiers: ClinVar variation 4085219 (VCV004085219.8).